The following is an entry in ClinVar:

NM_001267550.2(TTN):c.46237C>T (p.Gln15413Ter)

Gene: TTN (titin; minus strand). Cytogenetic location: 2q31.2.
Variant type: single nucleotide variant.
Coding change: c.46237C>T on transcript NM_001267550.2 (MANE Select); coding-DNA position 46237, C replaced by T.
Protein change: p.Gln15413Ter; replaces glutamine 15413 with a stop codon.
Molecular consequence: nonsense.
Genome position (GRCh38, 1-based): chr2:178,620,284, G>A on the plus strand (C>T on the coding strand, the complement: TTN is on the minus strand). VCF-style: chr2-178620284-G-A. GRCh37 (hg19) VCF-style: chr2-179485011-G-A.
Other names: c.41314C>T, p.Gln13772Ter (NM_001256850.1); c.19042C>T, p.Gln6348Ter (NM_003319.4); c.38533C>T, p.Gln12845Ter (NM_133378.4); c.19417C>T, p.Gln6473Ter (NM_133432.3); c.19618C>T, p.Gln6540Ter (NM_133437.4); short protein forms Q15413*, Q6540*, Q13772*, Q6473*, Q12845*, Q6348*.
Identifiers: ClinVar variation 2011785 (VCV002011785.4), dbSNP rs2470995867, ClinGen allele CA349628436.

ClinVar aggregate classification (germline): Likely pathogenic (1 of 4 stars; one submission).

Conditions:
Dilated cardiomyopathy 1G (CMD1G). Identifiers: Orphanet 154, MedGen C1858763, MONDO:0011400, OMIM 604145.
Autosomal recessive limb-girdle muscular dystrophy type 2J (LGMDR10). Also called: Limb-girdle muscular dystrophy, type 2J; MUSCULAR DYSTROPHY, LIMB-GIRDLE, AUTOSOMAL RECESSIVE 10. Identifiers: Orphanet 140922, MedGen C1837342, MONDO:0012127, OMIM 608807.

Submission:

Labcorp Genetics (formerly Invitae), Labcorp
Classification: Likely pathogenic for Dilated cardiomyopathy 1G; Autosomal recessive limb-girdle muscular dystrophy type 2J. Last evaluated: 2025-12-15. Review status: criteria provided, single submitter. Criteria: Invitae Variant Classification Sherloc (09022015). Collection method: clinical testing. Allele origin: germline.
Comment: This sequence change creates a premature translational stop signal (p.Gln15413*) in the TTN gene. While this is not anticipated to result in nonsense mediated decay, it is expected to create a truncated TTN protein. This variant is not present in population databases (gnomAD no frequency). This variant has not been reported in the literature in individuals affected with TTN-related conditions. ClinVar contains an entry for this variant (Variation ID: 2011785). This variant is located in the I band of TTN (PMID: 25589632). Truncating variants in this region have been reported in individuals affected with autosomal recessive centronuclear myopathy (PMID: 23975875, internal data). Truncating variants in this region have also been identified in individuals affected with autosomal dominant dilated cardiomyopathy and/or cardio-related conditions (PMID: 27869827, 32964742, internal data). In summary, the currently available evidence indicates that the variant is pathogenic, but additional data are needed to prove that conclusively. Therefore, this variant has been classified as Likely Pathogenic.

Literature cited by the submitters: PubMed 25589632; PubMed 23975875; PubMed 27869827; PubMed 32964742.